The following is an entry in ClinVar:

ClinVar aggregate classification (germline): Uncertain significance (1 of 4 stars; one submission).

Conditions:
Muscular dystrophy-dystroglycanopathy (congenital with brain and eye anomalies), type a, 8 (MDDGA8). Also called: WALKER-WARBURG SYNDROME OR MUSCLE-EYE-BRAIN DISEASE, GTDC2-RELATED. Identifiers: Orphanet 899, MedGen C3553813, MONDO:0013904, OMIM 614830.

Submission:

Labcorp Genetics (formerly Invitae), Labcorp
Classification: Uncertain significance for Muscular dystrophy-dystroglycanopathy (congenital with brain and eye anomalies), type a, 8. Last evaluated: 2022-07-25. Review status: criteria provided, single submitter. Criteria: Invitae Variant Classification Sherloc (09022015). Collection method: clinical testing. Allele origin: germline.
Comment: In summary, the available evidence is currently insufficient to determine the role of this variant in disease. Therefore, it has been classified as a Variant of Uncertain Significance. Algorithms developed to predict the effect of missense changes on protein structure and function are either unavailable or do not agree on the potential impact of this missense change (SIFT: "Deleterious"; PolyPhen-2: "Probably Damaging"; Align-GVGD: "Class C15"). ClinVar contains an entry for this variant (Variation ID: 1434272). This variant has not been reported in the literature in individuals affected with POMGNT2-related conditions. This variant is not present in population databases (gnomAD no frequency). This sequence change replaces serine, which is neutral and polar, with phenylalanine, which is neutral and non-polar, at codon 87 of the POMGNT2 protein (p.Ser87Phe).

NM_032806.6(POMGNT2):c.260C>T (p.Ser87Phe)

Gene: POMGNT2 (protein O-linked mannose N-acetylglucosaminyltransferase 2 (beta 1,4-); minus strand). Cytogenetic location: 3p22.1.
Variant type: single nucleotide variant.
Coding change: c.260C>T on transcript NM_032806.6 (MANE Select); coding-DNA position 260, C replaced by T.
Protein change: p.Ser87Phe; replaces serine 87 with phenylalanine.
Molecular consequence: missense variant.
Genome position (GRCh38, 1-based): chr3:43,081,172, G>A on the plus strand (C>T on the coding strand, the complement: POMGNT2 is on the minus strand). VCF-style: chr3-43081172-G-A. GRCh37 (hg19) VCF-style: chr3-43122664-G-A.
Other names: short protein forms S87F.
Identifiers: ClinVar variation 1434272 (VCV001434272.8), dbSNP rs2125701000, ClinGen allele CA352303606.
Genomic context (GRCh38, chr3:43,081,172, plus strand): 5'-AGGTTGGGCAGCATGACAGAGGTGTTGCCATGGAAGAAGATGAACTCCTCAGCCTCGTTG[G>A]AGTAGCAGAGCCACTTGAAGCGGCAGATGCGGTCTGTGTGCGTGCGGCCCGTGCACACCA-3'
Protein context (NP_116195.2, residues 77-97): RICRFKWLCY[Ser87Phe]NEAEEFIFFH